The following is an entry in ClinVar:

NM_004329.3(BMPR1A):c.456A>G (p.Arg152=)

Gene: BMPR1A (bone morphogenetic protein receptor type 1A; plus strand). Cytogenetic location: 10q23.2.
Variant type: single nucleotide variant.
Coding change: c.456A>G on transcript NM_004329.3 (MANE Select); coding-DNA position 456, A replaced by G.
Protein change: p.Arg152=; no amino-acid change (arginine 152 retained).
Molecular consequence: synonymous variant.
Genome position (GRCh38, 1-based): chr10:86,900,052, A>G. VCF-style: chr10-86900052-A-G. GRCh37 (hg19) VCF-style: chr10-88659809-A-G.
Identifiers: ClinVar variation 1152999 (VCV001152999.12), dbSNP rs2133456447, ClinGen allele CA470307022.

ClinVar aggregate classification (germline): Benign/Likely benign. Review status: criteria provided, multiple submitters, no conflicts (2 of 4 stars). 3 submissions from 3 submitters: Benign (1); Likely benign (2). Last evaluated 2024-08-01.

Conditions:
Juvenile polyposis syndrome (JPS). Identifiers: Orphanet 2929, MedGen C0345893, MONDO:0017380, OMIM 174900.
Hereditary cancer-predisposing syndrome. Also called: Hereditary Cancer Syndrome; Hereditary neoplastic syndrome; Neoplastic Syndromes, Hereditary; Tumor predisposition. Identifiers: Orphanet 140162, MedGen C0027672, MeSH D009386, MONDO:0015356.

Allele frequency attached by ClinVar (database versions not stated): gnomAD exomes below 0.00001.
gnomAD v4.1: 3 of 1,614,134 alleles (0.00019%); highest among the groups gnomAD compares: African/African-American, 0.004%; no homozygotes.

Submissions (3):

Myriad Genetics, Inc.
Classification: Benign for Juvenile polyposis syndrome. Last evaluated: 2024-08-01. Review status: criteria provided, single submitter. Criteria: Myriad Autosomal Dominant, Autosomal Recessive and X-Linked Classification Criteria (2023). Collection method: clinical testing. Allele origin: unknown.
Comment: This variant is considered benign. This variant is a silent/synonymous amino acid change and it is not expected to impact splicing.

Labcorp Genetics (formerly Invitae), Labcorp
Classification: Likely benign for Juvenile polyposis syndrome. Last evaluated: 2023-03-26. Review status: criteria provided, single submitter. Criteria: Invitae Variant Classification Sherloc (09022015). Collection method: clinical testing. Allele origin: germline.

Ambry Genetics
Classification: Likely benign for Hereditary cancer-predisposing syndrome. Last evaluated: 2019-10-26. Review status: criteria provided, single submitter. Criteria: Ambry Variant Classification Scheme 2023. Collection method: clinical testing. Allele origin: germline.